The following is an entry in ClinVar:

ClinVar aggregate classification (germline): Uncertain significance. Review status: criteria provided, multiple submitters, no conflicts (2 of 4 stars). 2 submissions from 2 submitters: Uncertain significance (2). Last evaluated 2025-10-09.

Conditions:
IKZF1-related disorder. Also called: IKZF1-related condition.

Allele frequency attached by ClinVar (database versions not stated): gnomAD exomes 0.00001; TOPMed 0.00005.
gnomAD v4.1: 9 of 1,562,782 alleles (0.00058%); highest among the groups gnomAD compares: Admixed American, 0.015%; no homozygotes.

Submissions (2):

Labcorp Genetics (formerly Invitae), Labcorp
Classification: Uncertain significance. Last evaluated: 2025-10-09. Review status: criteria provided, single submitter. Criteria: Invitae Variant Classification Sherloc (09022015). Collection method: clinical testing. Allele origin: germline.
Comment: This sequence change replaces methionine, which is neutral and non-polar, with valine, which is neutral and non-polar, at codon 347 of the IKZF1 protein (p.Met347Val). This variant is present in population databases (rs776277744, gnomAD 0.02%). This missense change has been observed in individual(s) with acute lymphoblastic leukemia (PMID: 29681510). ClinVar contains an entry for this variant (Variation ID: 2910209). Algorithms developed to predict the effect of variants on gene product structure and function are not available or were not evaluated for this variant. Experimental studies have shown that this missense change affects IKZF1 function (PMID: 29681510). In summary, the available evidence is currently insufficient to determine the role of this variant in disease. Therefore, it has been classified as a Variant of Uncertain Significance.

PreventionGenetics, part of Exact Sciences
Classification: Uncertain significance for IKZF1-related condition. Last evaluated: 2025-01-28. Review status: criteria provided, single submitter. Criteria: ACMG Guidelines, 2015. Collection method: clinical testing. Allele origin: germline.
Comment: The IKZF1 c.1039A>G variant is predicted to result in the amino acid substitution p.Met347Val. This variant has been reported in an individual with acute lymphoblastic leukemia, and functional study showed that this variant affects IKZF1 function (Churchman et al. 2018. PubMed ID: 29681510). This variant is reported in 0.020% of alleles in individuals of Latino descent in gnomAD. At this time, the clinical significance of this variant is uncertain due to the absence of conclusive functional and genetic evidence.

Literature cited by the submitters: PubMed 29681510 (cited by Labcorp Genetics (formerly Invitae), Labcorp).

NM_006060.6(IKZF1):c.1039A>G (p.Met347Val)

Gene: IKZF1 (IKAROS family zinc finger 1; plus strand). Cytogenetic location: 7p12.2.
Variant type: single nucleotide variant.
Coding change: c.1039A>G on transcript NM_006060.6 (MANE Select); coding-DNA position 1039, A replaced by G.
Protein change: p.Met347Val; replaces methionine 347 with valine.
Molecular consequence: missense variant.
Genome position (GRCh38, 1-based): chr7:50,400,106, A>G. VCF-style: chr7-50400106-A-G. GRCh37 (hg19) VCF-style: chr7-50467804-A-G.
Other names: c.1039A>G (NM_006060.5); c.913A>G, p.Met305Val (NM_001220765.3, NM_001291837.2); c.748A>G, p.Met250Val (NM_001220767.2); c.778A>G, p.Met260Val (NM_001220768.2, NM_001291838.2); c.622A>G, p.Met208Val (NM_001220770.2); c.610A>G, p.Met204Val (NM_001220771.2, NM_001291841.1); c.652A>G, p.Met218Val (NM_001291839.2); c.349A>G, p.Met117Val (NM_001291840.1); and 4 more; short protein forms M152V, M218V, M260V, M194V, M204V, M208V, M347V, M117V.
Identifiers: ClinVar variation 2910209 (VCV002910209.4), dbSNP rs776277744, ClinGen allele CA4261450.